The following is an entry in ClinVar:

NM_022039.4(FBXW4):c.1673_1679dup (p.His560fs)

Gene: FBXW4 (F-box and WD repeat domain containing 4; minus strand). Cytogenetic location: 10q24.32.
Variant type: Duplication.
Coding change: c.1673_1679dup on transcript NM_022039.4 (MANE Select); coding-DNA positions 1673 to 1679, 7 bases duplicated (ACCTCCA; older notation c.1673_1679dupACCTCCA).
Protein change: p.His560fs; shifts the reading frame from histidine 560.
Molecular consequence: frameshift variant. On other transcripts: non-coding transcript variant (1).
Genome position (GRCh38, 1-based): chr10:101,611,316-101,611,322, TGGAGGT duplicated on the plus strand (ACCTCCA on the coding strand, the reverse complement: FBXW4 is on the minus strand); duplicating any 7 consecutive bases within chr10:101,611,316-101,611,324 gives the same sequence; the c. name uses the placement nearest the transcript's 3' end. VCF-style (leftmost placement, unchanged base first): chr10-101611315-G-GTGGAGGT. GRCh37 (hg19) VCF-style: chr10-103371072-G-GTGGAGGT.
Other names: c.947_953dup, p.His318fs (NM_001323541.2); short protein forms H560fs, H318fs.
Identifiers: ClinVar variation 931193 (VCV000931193.3), dbSNP rs2063780508, ClinGen allele CA1139661663.
Genomic context (GRCh38, chr10:101,611,315, plus strand): 5'-GTTTCCCTGGCCCAGAGGCAGGGGTGGCCCTGACGGTCATGGGTTTTGAAAATCCAGGAC[G>GTGGAGGT]TGGAGGTTGTAAGACAGGGCAGCATAGAGATGCTTGGTGGTGAGACGCAGGCAGTACACA-3'

ClinVar aggregate classification (germline): Uncertain significance (1 of 4 stars; one submission).

Submission:

Centre for Mendelian Genomics, University Medical Centre Ljubljana
Classification: Uncertain significance. Last evaluated: 2019-06-12. Review status: criteria provided, single submitter. Criteria: ACMG Guidelines, 2015. Collection method: clinical testing. Allele origin: unknown. Affected: yes.
Comment: This variant was classified as: Uncertain significance. The available evidence on this variant's pathogenicity is insufficient or conflicting. The following ACMG criteria were applied in classifying this variant: PM2.